The following is an entry in ClinVar:

ClinVar aggregate classification (germline): Uncertain significance (1 of 4 stars; one submission).

gnomAD v4.1: 4 of 1,613,644 alleles (0.00025%); highest among the groups gnomAD compares: South Asian, 0.0044%; no homozygotes.

Submission:

Women's Health and Genetics/Laboratory Corporation of America, LabCorp
Classification: Uncertain significance. Last evaluated: 2026-05-18. Review status: criteria provided, single submitter. Criteria: LabCorp Variant Classification Summary - May 2015. Collection method: clinical testing. Allele origin: germline.
Comment: Variant summary: USH2A c.1367T>A (p.Ile456Asn) results in a non-conservative amino acid change in the encoded protein sequence. Algorithms developed to predict the effect of missense changes on protein structure and function are either unavailable or do not agree on the potential impact of this missense change. The variant allele was found at a frequency of 8e-06 in 250574 control chromosomes. The available data on variant occurrences in the general population are insufficient to allow any conclusion about variant significance. c.1367T>A has been observed in the heterozygous state, with no second reportable USH2A variant, in an individual affected with moderate to severe hearing loss (example: Tlili_2024). This report does not provide unequivocal conclusions about association of the variant with disease. To our knowledge, no experimental evidence demonstrating an impact on protein function has been reported. The following publication has been ascertained in the context of this evaluation (PMID: 38844983). No submitters have cited clinical-significance assessments for this variant to ClinVar. Based on the evidence outlined above, the variant was classified as uncertain significance.

Literature cited by the submitters: PubMed 38844983.

NM_206933.4(USH2A):c.1367T>A (p.Ile456Asn)

Gene: USH2A (usherin; minus strand). Cytogenetic location: 1q41.
Variant type: single nucleotide variant.
Coding change: c.1367T>A on transcript NM_206933.4 (MANE Select); coding-DNA position 1367, T replaced by A.
Protein change: p.Ile456Asn; replaces isoleucine 456 with asparagine.
Molecular consequence: missense variant.
Genome position (GRCh38, 1-based): chr1:216,323,657, A>T on the plus strand (T>A on the coding strand, the complement: USH2A is on the minus strand). VCF-style: chr1-216323657-A-T. GRCh37 (hg19) VCF-style: chr1-216496999-A-T.
Other names: c.1367T>A, p.Ile456Asn (NM_007123.6); short protein forms I456N.
Identifiers: ClinVar variation 4852995 (VCV004852995.1).